The following is an entry in ClinVar:

ClinVar aggregate classification (germline): Uncertain significance (1 of 4 stars; one submission).

Conditions:
Cornelia de Lange syndrome 1 (CDLS1). Also called: TYPUS DEGENERATIVUS AMSTELODAMENSIS; NIPBL-Related Cornelia de Lange Syndrome; Brachmann de Lange syndrome. Identifiers: Orphanet 199, MedGen C4551851, MONDO:0007387, OMIM 122470.

Submission:

Labcorp Genetics (formerly Invitae), Labcorp
Classification: Uncertain significance for Cornelia de Lange syndrome 1. Last evaluated: 2019-01-04. Review status: criteria provided, single submitter. Criteria: Invitae Variant Classification Sherloc (09022015). Collection method: clinical testing. Allele origin: germline.
Comment: In summary, the available evidence is currently insufficient to determine the role of this variant in disease. Therefore, it has been classified as a Variant of Uncertain Significance. Algorithms developed to predict the effect of missense changes on protein structure and function are either unavailable or do not agree on the potential impact of this missense change (SIFT: "Deleterious"; PolyPhen-2: "Probably Damaging"; Align-GVGD: "Class C0"). This variant has not been reported in the literature in individuals with NIPBL-related conditions. This variant is not present in population databases (ExAC no frequency). This sequence change replaces tyrosine with aspartic acid at codon 1612 of the NIPBL protein (p.Tyr1612Asp). The tyrosine residue is moderately conserved and there is a large physicochemical difference between tyrosine and aspartic acid.

NM_133433.4(NIPBL):c.4834T>G (p.Tyr1612Asp)

Gene: NIPBL (NIPBL cohesin loading factor; plus strand). Cytogenetic location: 5p13.2.
Variant type: single nucleotide variant.
Coding change: c.4834T>G on transcript NM_133433.4 (MANE Select); coding-DNA position 4834, T replaced by G.
Protein change: p.Tyr1612Asp; replaces tyrosine 1612 with aspartic acid.
Molecular consequence: missense variant.
Genome position (GRCh38, 1-based): chr5:37,017,076, T>G. VCF-style: chr5-37017076-T-G. GRCh37 (hg19) VCF-style: chr5-37017178-T-G.
Other names: c.4834T>G, p.Tyr1612Asp (NM_015384.5); short protein forms Y1612D.
Identifiers: ClinVar variation 852194 (VCV000852194.9), dbSNP rs1749083607, ClinGen allele CA359484234.
Genomic context (GRCh38, chr5:37,017,076, plus strand): 5'-TAGGTTCATCAGTTCAGTAACAAGTCAACAGAGATGGCTTTAAGAGTGGCATCTCTTGAT[T>G]ACCTTGGAACTGTTGCTGCACGGCTAAGAAAAGATGCTGTTACAAGCAAAATGGATCAAG-3'
Protein context (NP_597677.2, residues 1602-1622): EMALRVASLD[Tyr1612Asp]LGTVAARLRK